The following is an entry in ClinVar:

ClinVar aggregate classification (germline): Uncertain significance. Review status: criteria provided, multiple submitters, no conflicts (2 of 4 stars). 2 submissions from 2 submitters: Uncertain significance (2). Last evaluated 2025-03-24.

Allele frequency attached by ClinVar (database versions not stated): ExAC 0.00006; gnomAD 0.00042; TOPMed 0.00046.
gnomAD v4.1: 1,338 of 1,533,590 alleles (0.087%); highest among the groups gnomAD compares: Non-Finnish European, 0.11%; no homozygotes.

Submissions (2):

Ambry Genetics
Classification: Uncertain significance. Last evaluated: 2025-03-24. Review status: criteria provided, single submitter. Criteria: Ambry Variant Classification Scheme 2023. Collection method: clinical testing. Allele origin: germline.

CeGaT Center for Human Genetics Tuebingen
Classification: Uncertain significance. Last evaluated: 2023-08-01. Review status: criteria provided, single submitter. Criteria: CeGaT Center For Human Genetics Tuebingen Variant Classification Criteria Version 2. Collection method: clinical testing. Allele origin: germline. Affected: yes. Observed: 1 variant allele.
Comment: FSIP2: PM2, BP4

NM_173651.4(FSIP2):c.11431T>C (p.Cys3811Arg)

Gene: FSIP2 (fibrous sheath interacting protein 2; plus strand). Cytogenetic location: 2q32.1.
Variant type: single nucleotide variant.
Coding change: c.11431T>C on transcript NM_173651.4 (MANE Select); coding-DNA position 11431, T replaced by C.
Protein change: p.Cys3811Arg; replaces cysteine 3811 with arginine.
Molecular consequence: missense variant.
Genome position (GRCh38, 1-based): chr2:185,800,737, T>C. VCF-style: chr2-185800737-T-C. GRCh37 (hg19) VCF-style: chr2-186665464-T-C.
Other names: short protein forms C3811R.
Identifiers: ClinVar variation 2457068 (VCV002457068.26), dbSNP rs200617003, ClinGen allele CA2016953.